The following is an entry in ClinVar:

NM_000539.3(RHO):c.480C>A (p.Thr160=)

Gene: RHO (rhodopsin; plus strand). Cytogenetic location: 3q22.1.
Variant type: single nucleotide variant.
Coding change: c.480C>A on transcript NM_000539.3 (MANE Select); coding-DNA position 480, C replaced by A.
Protein change: p.Thr160=; no amino-acid change (threonine 160 retained).
Molecular consequence: synonymous variant.
Genome position (GRCh38, 1-based): chr3:129,530,994, C>A. VCF-style: chr3-129530994-C-A. GRCh37 (hg19) VCF-style: chr3-129249837-C-A.
Identifiers: ClinVar variation 343277 (VCV000343277.59), dbSNP rs151063543, ClinGen allele CA2607168.

ClinVar aggregate classification (germline): Conflicting classifications of pathogenicity. Review status: criteria provided, conflicting classifications (1 of 4 stars). 8 submissions from 7 submitters: Uncertain significance (1); Benign (1); Likely benign (4). 2 of the submissions do not count toward it. Last evaluated 2026-01-27.

Conditions:
Retinitis pigmentosa (RP). Identifiers: Orphanet 791, MedGen C0035334, MeSH D012174, MONDO:0019200, OMIM 268000. Inheritance: Autosomal dominant, autosomal recessive and X linked inheritance.
Congenital stationary night blindness autosomal dominant 1. Also called: NIGHT BLINDNESS, CONGENITAL STATIONARY, RHODOPSIN-RELATED. Identifiers: Orphanet 215, MedGen C1864869, MONDO:0012498, OMIM 610445.

Allele frequency attached by ClinVar (database versions not stated): gnomAD exomes 0.00244 and 0.00152; 1000 Genomes Project 0.00020; 1000 Genomes Project 30x 0.00031; ExAC 0.00140; gnomAD 0.00168 and 0.00180; TOPMed 0.00175; ESP Exome Variant Server 0.00238.
gnomAD v4.1: 3,791 of 1,614,244 alleles (0.23%); highest among the groups gnomAD compares: Non-Finnish European, 0.29%; 7 homozygotes.

Submissions (8):

Labcorp Genetics (formerly Invitae), Labcorp
Classification: Benign. Last evaluated: 2026-01-27. Review status: criteria provided, single submitter. Criteria: Invitae Variant Classification Sherloc (09022015). Collection method: clinical testing. Allele origin: germline.

Blueprint Genetics
Classification: Likely benign. Last evaluated: 2024-10-04. Review status: criteria provided, single submitter. Criteria: ACMG Guidelines, 2015. Collection method: clinical testing. Allele origin: germline.

CeGaT Center for Human Genetics Tuebingen
Classification: Likely benign. Last evaluated: 2024-02-01. Review status: criteria provided, single submitter. Criteria: CeGaT Center For Human Genetics Tuebingen Variant Classification Criteria Version 2. Collection method: clinical testing. Allele origin: germline. Affected: yes. Observed: 3 variant alleles.
Comment: RHO: BP4, BP7

Eurofins Ntd Llc (ga)
Classification: Uncertain significance. Last evaluated: 2018-04-03. Review status: criteria provided, single submitter. Criteria: EGL ClinVar v180209 classification definitions. Collection method: clinical testing. Allele origin: germline. Observed: 1 variant allele, 1 heterozygote.

Illumina Laboratory Services, Illumina
Classification: Likely benign for Congenital stationary night blindness autosomal dominant 1. Last evaluated: 2017-04-27. Review status: criteria provided, single submitter. Criteria: ICSL Variant Classification Criteria 13 December 2019. Collection method: clinical testing. Allele origin: germline.
Comment: This variant was observed as part of a predisposition screen in an ostensibly healthy population. A literature search was performed for the gene, cDNA change, and amino acid change (where applicable). No publications were found based on this search. Allele frequency data from public databases allowed determination this variant is unlikely to cause disease. Therefore, this variant is classified as likely benign.

Illumina Laboratory Services, Illumina
Classification: Likely benign for Retinitis pigmentosa. Last evaluated: 2017-04-27. Review status: criteria provided, single submitter. Criteria: ICSL Variant Classification Criteria 13 December 2019. Collection method: clinical testing. Allele origin: germline.
Comment: the same text as in the submission from Illumina Laboratory Services, Illumina above.

Clinical Genetics DNA and cytogenetics Diagnostics Lab, Erasmus MC, Erasmus Medical Center
Classification: Likely benign. Review status: no assertion criteria provided. Collection method: clinical testing. Allele origin: germline. Affected: yes. Study: VKGL Data-share Consensus. Not counted in ClinVar's aggregate classification.

Clinical Genetics, Academic Medical Center
Classification: Benign. Review status: no assertion criteria provided. Collection method: clinical testing. Allele origin: germline. Affected: yes. Study: VKGL Data-share Consensus. Not counted in ClinVar's aggregate classification.